The following is an entry in ClinVar:

NC_000001.10:g.(?_120286489)_(120286663_?)del

Gene: PHGDH (phosphoglycerate dehydrogenase; plus strand). Cytogenetic location: 1p12.
Variant type: Deletion.
Identifiers: ClinVar variation 3247779 (VCV003247779.1).

ClinVar aggregate classification (germline): Pathogenic (1 of 4 stars; one submission).

Conditions:
PHGDH deficiency. Identifiers: Orphanet 79351, MedGen C1866174, MONDO:0011152, OMIM 601815.

Submission:

Labcorp Genetics (formerly Invitae), Labcorp
Classification: Pathogenic for PHGDH deficiency. Last evaluated: 2024-01-04. Review status: criteria provided, single submitter. Criteria: Invitae Variant Classification Sherloc (09022015). Collection method: clinical testing. Allele origin: unknown.
Comment: This variant is a gross deletion of the genomic region encompassing exon(s) 12 of the PHGDH gene, which includes the termination codon. This deletion extends beyond the assayed region for this gene and therefore may encompass additional genes. While this deletion is not anticipated to lead to nonsense mediated decay, it is expected to alter mRNA translation or result in a truncated protein product. This variant has not been reported in the literature in individuals affected with PHGDH-related conditions. This variant disrupts a region of the PHGDH protein in which other variant(s) (p.Val490Met) have been determined to be pathogenic (PMID: 11055895, 11751922). This suggests that this is a clinically significant region of the protein, and that variants that disrupt it are likely to be disease-causing. For these reasons, this variant has been classified as Pathogenic.

Literature cited by the submitters: PubMed 11055895; PubMed 11751922.